The following is an entry in ClinVar:

ClinVar aggregate classification (germline): Pathogenic (1 of 4 stars; one submission).

Conditions:
Myofibrillar myopathy 5. Also called: FILAMINOPATHY, AUTOSOMAL DOMINANT; Filaminopathy (type). Identifiers: Orphanet 171445, MedGen C1836050, MONDO:0012289, OMIM 609524.
Hypertrophic cardiomyopathy 26. Also called: Cardiomyopathy, familial hypertrophic, 26. Identifiers: Orphanet 75249, MedGen C4310749, MONDO:0014883, OMIM 617047.
Distal myopathy with posterior leg and anterior hand involvement. Also called: WILLIAMS DISTAL MYOPATHY. Identifiers: Orphanet 63273, MedGen C3279722, MONDO:0013550, OMIM 614065.

Submission:

Labcorp Genetics (formerly Invitae), Labcorp
Classification: Pathogenic for Distal myopathy with posterior leg and anterior hand involvement; Myofibrillar myopathy 5; Hypertrophic cardiomyopathy 26. Last evaluated: 2024-01-13. Review status: criteria provided, single submitter. Criteria: Invitae Variant Classification Sherloc (09022015). Collection method: clinical testing. Allele origin: germline.
Comment: This sequence change creates a premature translational stop signal (p.Gln2499*) in the FLNC gene. It is expected to result in an absent or disrupted protein product. Loss-of-function variants in FLNC are known to be pathogenic (PMID: 27908349). This variant is not present in population databases (gnomAD no frequency). This variant has not been reported in the literature in individuals affected with FLNC-related conditions. For these reasons, this variant has been classified as Pathogenic.

Literature cited by the submitters: PubMed 27908349.

NM_001458.5(FLNC):c.7495C>T (p.Gln2499Ter)

Genes: FLNC (filamin C; plus strand), FLNC-AS1 (FLNC antisense RNA 1; minus strand). Cytogenetic location: 7q32.1.
Variant type: single nucleotide variant.
Coding change: c.7495C>T on transcript NM_001458.5 (MANE Select); coding-DNA position 7495, C replaced by T.
Protein change: p.Gln2499Ter; replaces glutamine 2499 with a stop codon.
Molecular consequence: nonsense.
Genome position (GRCh38, 1-based): chr7:128,856,855, C>T. VCF-style: chr7-128856855-C-T. GRCh37 (hg19) VCF-style: chr7-128496909-C-T.
Other names: c.7396C>T, p.Gln2466Ter (NM_001127487.2); short protein forms Q2499*, Q2466*.
Identifiers: ClinVar variation 2922179 (VCV002922179.3), dbSNP rs2536670480, ClinGen allele CA369218629.